The following is an entry in ClinVar:

ClinVar aggregate classification (germline): Conflicting classifications of pathogenicity. Review status: criteria provided, conflicting classifications (1 of 4 stars). 4 submissions from 4 submitters: Uncertain significance (1); Likely benign (2). 1 of the submissions does not count toward it. Last evaluated 2025-09-25.

Conditions:
Autosomal recessive nonsyndromic hearing loss 49. Also called: Deafness, neurosensory, autosomal recessive 49. Identifiers: Orphanet 90636, MedGen C1857811, MONDO:0012420, OMIM 610153.
MARVELD2-related disorder. Also called: MARVELD2-related condition.

Allele frequency attached by ClinVar (database versions not stated): gnomAD 0.00002 and 0.00003; gnomAD exomes 0.00003 and 0.00005; ExAC 0.00004; TOPMed 0.00007.
gnomAD v4.1: 19 of 1,614,102 alleles (0.0012%); highest among the groups gnomAD compares: Admixed American, 0.03%; no homozygotes.

Submissions (4):

Labcorp Genetics (formerly Invitae), Labcorp
Classification: Likely benign. Last evaluated: 2025-09-25. Review status: criteria provided, single submitter. Criteria: Invitae Variant Classification Sherloc (09022015). Collection method: clinical testing. Allele origin: germline.

Blueprint Genetics
Classification: Likely benign. Last evaluated: 2019-12-03. Review status: criteria provided, single submitter. Criteria: ACMG Guidelines, 2015. Collection method: clinical testing. Allele origin: germline.

Illumina Laboratory Services, Illumina
Classification: Uncertain significance for Autosomal recessive nonsyndromic hearing loss 49. Last evaluated: 2018-01-13. Review status: criteria provided, single submitter. Criteria: ICSL Variant Classification Criteria 13 December 2019. Collection method: clinical testing. Allele origin: germline.

PreventionGenetics, part of Exact Sciences
Classification: Likely benign for MARVELD2-related condition. Last evaluated: 2020-07-17. Review status: no assertion criteria provided. Collection method: clinical testing. Allele origin: germline. Not counted in ClinVar's aggregate classification.
Comment: This variant is classified as likely benign based on ACMG/AMP sequence variant interpretation guidelines (Richards et al. 2015 PMID: 25741868, with internal and published modifications).

NM_001038603.3(MARVELD2):c.834T>C (p.Tyr278=)

Gene: MARVELD2 (MARVEL domain containing 2; plus strand). Cytogenetic location: 5q13.2.
Variant type: single nucleotide variant.
Coding change: c.834T>C on transcript NM_001038603.3 (MANE Select); coding-DNA position 834, T replaced by C.
Protein change: p.Tyr278=; no amino-acid change (tyrosine 278 retained).
Molecular consequence: synonymous variant.
Genome position (GRCh38, 1-based): chr5:69,420,219, T>C. VCF-style: chr5-69420219-T-C. GRCh37 (hg19) VCF-style: chr5-68716046-T-C.
Other names: c.834T>C, p.Tyr278= (NM_001244734.2).
Identifiers: ClinVar variation 905494 (VCV000905494.14), dbSNP rs770894315, ClinGen allele CA3294123.